The following is an entry in ClinVar:

ClinVar aggregate classification (germline): Uncertain significance. Review status: criteria provided, multiple submitters, no conflicts (2 of 4 stars). 2 submissions from 2 submitters: Uncertain significance (2). Last evaluated 2025-10-22.

Allele frequency attached by ClinVar (database versions not stated): ExAC 0.00001; gnomAD exomes 0.00002; TOPMed 0.00002; gnomAD 0.00003.
gnomAD v4.1: 31 of 1,614,020 alleles (0.0019%); highest among the groups gnomAD compares: Non-Finnish European, 0.0024%; no homozygotes.

Submissions (2):

Ambry Genetics
Classification: Uncertain significance. Last evaluated: 2025-10-22. Review status: criteria provided, single submitter. Criteria: Ambry Variant Classification Scheme 2023. Collection method: clinical testing. Allele origin: germline.

Labcorp Genetics (formerly Invitae), Labcorp
Classification: Uncertain significance. Last evaluated: 2024-09-06. Review status: criteria provided, single submitter. Criteria: Invitae Variant Classification Sherloc (09022015). Collection method: clinical testing. Allele origin: germline.
Comment: This sequence change replaces lysine, which is basic and polar, with arginine, which is basic and polar, at codon 144 of the SHPK protein (p.Lys144Arg). This variant is present in population databases (rs746119807, gnomAD 0.003%). This variant has not been reported in the literature in individuals affected with SHPK-related conditions. ClinVar contains an entry for this variant (Variation ID: 1418165). An algorithm developed to predict the effect of missense changes on protein structure and function (PolyPhen-2) suggests that this variant is likely to be tolerated. In summary, the available evidence is currently insufficient to determine the role of this variant in disease. Therefore, it has been classified as a Variant of Uncertain Significance.

NM_013276.4(SHPK):c.431A>G (p.Lys144Arg)

Genes: SHPK (sedoheptulokinase; minus strand), LOC126862464 (MED14-independent group 3 enhancer GRCh37_chr17:3526895-3528094; plus strand). Cytogenetic location: 17p13.2.
Variant type: single nucleotide variant.
Coding change: c.431A>G on transcript NM_013276.4 (MANE Select); coding-DNA position 431, A replaced by G.
Protein change: p.Lys144Arg; replaces lysine 144 with arginine.
Molecular consequence: missense variant.
Genome position (GRCh38, 1-based): chr17:3,624,111, T>C on the plus strand (A>G on the coding strand, the complement: SHPK is on the minus strand). VCF-style: chr17-3624111-T-C. GRCh37 (hg19) VCF-style: chr17-3527405-T-C.
Other names: c.431A>G (NM_013276.2); short protein forms K144R.
Identifiers: ClinVar variation 1418165 (VCV001418165.9), dbSNP rs746119807, ClinGen allele CA8291339.